The following is an entry in ClinVar:

NM_000081.4(LYST):c.1915A>G (p.Ile639Val)

Gene: LYST (lysosomal trafficking regulator; minus strand). Cytogenetic location: 1q42.3.
Variant type: single nucleotide variant.
Coding change: c.1915A>G on transcript NM_000081.4 (MANE Select); coding-DNA position 1915, A replaced by G.
Protein change: p.Ile639Val; replaces isoleucine 639 with valine.
Molecular consequence: missense variant.
Genome position (GRCh38, 1-based): chr1:235,808,903, T>C on the plus strand (A>G on the coding strand, the complement: LYST is on the minus strand). VCF-style: chr1-235808903-T-C. GRCh37 (hg19) VCF-style: chr1-235972203-T-C.
Other names: c.1915A>G, p.Ile639Val (NM_001301365.1); short protein forms I639V.
Identifiers: ClinVar variation 2094367 (VCV002094367.2), dbSNP rs753801553, ClinGen allele CA344961361.

ClinVar aggregate classification (germline): Uncertain significance (1 of 4 stars; one submission).

Conditions:
Chédiak-Higashi syndrome (CHS). Also called: Chediak-Higashi Syndrome. Identifiers: Orphanet 167, MedGen C0007965, MONDO:0008963, OMIM 214500.

gnomAD v4.1: 7 of 1,612,940 alleles (0.00043%); highest among the groups gnomAD compares: South Asian, 0.0033%; no homozygotes.

Submission:

Labcorp Genetics (formerly Invitae), Labcorp
Classification: Uncertain significance for Chédiak-Higashi syndrome. Last evaluated: 2022-02-07. Review status: criteria provided, single submitter. Criteria: Invitae Variant Classification Sherloc (09022015). Collection method: clinical testing. Allele origin: germline.
Comment: This variant has not been reported in the literature in individuals affected with LYST-related conditions. This variant is present in population databases (no rsID available, gnomAD 0.003%). This sequence change replaces isoleucine, which is neutral and non-polar, with valine, which is neutral and non-polar, at codon 639 of the LYST protein (p.Ile639Val). Algorithms developed to predict the effect of missense changes on protein structure and function output the following: SIFT: "Tolerated"; PolyPhen-2: "Probably Damaging"; Align-GVGD: "Class C0". The valine amino acid residue is found in multiple mammalian species, which suggests that this missense change does not adversely affect protein function. In summary, the available evidence is currently insufficient to determine the role of this variant in disease. Therefore, it has been classified as a Variant of Uncertain Significance.